The following is an entry in ClinVar:

ClinVar aggregate classification (germline): Uncertain significance. Review status: criteria provided, multiple submitters, no conflicts (2 of 4 stars). 2 submissions from 2 submitters: Uncertain significance (2). Last evaluated 2025-05-04.

Conditions:
Hereditary cancer-predisposing syndrome. Also called: Hereditary Cancer Syndrome; Hereditary neoplastic syndrome; Tumor predisposition; Neoplastic Syndromes, Hereditary. Identifiers: Orphanet 140162, MedGen C0027672, MeSH D009386, MONDO:0015356.
Cardiovascular phenotype. Identifiers: MedGen CN230736.

gnomAD v4.1: 1 of 1,613,438 alleles (0.000062%); highest among the groups gnomAD compares: Non-Finnish European, 0.000085%; no homozygotes.

Submissions (2):

Labcorp Genetics (formerly Invitae), Labcorp
Classification: Uncertain significance. Last evaluated: 2025-05-04. Review status: criteria provided, single submitter. Criteria: Invitae Variant Classification Sherloc (09022015). Collection method: clinical testing. Allele origin: germline.
Comment: This sequence change replaces tyrosine, which is neutral and polar, with phenylalanine, which is neutral and non-polar, at codon 759 of the LZTR1 protein (p.Tyr759Phe). This variant is not present in population databases (gnomAD no frequency). This variant has not been reported in the literature in individuals affected with LZTR1-related conditions. ClinVar contains an entry for this variant (Variation ID: 3541516). Invitae Evidence Modeling of protein sequence and biophysical properties (such as structural, functional, and spatial information, amino acid conservation, physicochemical variation, residue mobility, and thermodynamic stability) indicates that this missense variant is not expected to disrupt LZTR1 protein function with a negative predictive value of 80%. In summary, the available evidence is currently insufficient to determine the role of this variant in disease. Therefore, it has been classified as a Variant of Uncertain Significance.

Ambry Genetics
Classification: Uncertain significance for Cardiovascular phenotype; Hereditary cancer-predisposing syndrome. Last evaluated: 2024-10-28. Review status: criteria provided, single submitter. Criteria: Ambry Variant Classification Scheme 2023. Collection method: clinical testing. Allele origin: germline.
Comment: The p.Y759F variant (also known as c.2276A>T), located in coding exon 19 of the LZTR1 gene, results from an A to T substitution at nucleotide position 2276. The tyrosine at codon 759 is replaced by phenylalanine, an amino acid with highly similar properties. This amino acid position is conserved. In addition, this alteration is predicted to be tolerated by in silico analysis. Based on the available evidence, the clinical significance of this variant remains unclear.

NM_006767.4(LZTR1):c.2276A>T (p.Tyr759Phe)

Gene: LZTR1 (leucine zipper like post translational regulator 1; plus strand). Cytogenetic location: 22q11.21.
Variant type: single nucleotide variant.
Coding change: c.2276A>T on transcript NM_006767.4 (MANE Select); coding-DNA position 2276, A replaced by T.
Protein change: p.Tyr759Phe; replaces tyrosine 759 with phenylalanine.
Molecular consequence: missense variant.
Genome position (GRCh38, 1-based): chr22:20,996,752, A>T. VCF-style: chr22-20996752-A-T. GRCh37 (hg19) VCF-style: chr22-21351041-A-T.
Other names: short protein forms Y759F.
Identifiers: ClinVar variation 3541516 (VCV003541516.2).